The following is an entry in ClinVar:

ClinVar aggregate classification (germline): Uncertain significance (1 of 4 stars; one submission).

Conditions:
Nemaline myopathy 2 (NEM2). Also called: Nemaline myopathy 2, autosomal recessive. Identifiers: MedGen C1850569, MONDO:0009725, OMIM 256030.

Submission:

Labcorp Genetics (formerly Invitae), Labcorp
Classification: Uncertain significance for Nemaline myopathy 2. Last evaluated: 2021-05-05. Review status: criteria provided, single submitter. Criteria: Invitae Variant Classification Sherloc (09022015). Collection method: clinical testing. Allele origin: germline.
Comment: This sequence change replaces lysine with glutamic acid at codon 2382 of the NEB protein (p.Lys2382Glu). The lysine residue is weakly conserved and there is a small physicochemical difference between lysine and glutamic acid. This variant is not present in population databases (ExAC no frequency). This variant has not been reported in the literature in individuals with NEB-related conditions. Algorithms developed to predict the effect of missense changes on protein structure and function are either unavailable or do not agree on the potential impact of this missense change (SIFT: "Deleterious"; PolyPhen-2: "Not Available"; Align-GVGD: "Class C0"). In summary, the available evidence is currently insufficient to determine the role of this variant in disease. Therefore, it has been classified as a Variant of Uncertain Significance.

NM_001164508.2(NEB):c.7144A>G (p.Lys2382Glu)

Gene: NEB (nebulin; minus strand). Cytogenetic location: 2q23.3.
Variant type: single nucleotide variant.
Coding change: c.7144A>G on transcript NM_001164508.2 (MANE Select); coding-DNA position 7144, A replaced by G.
Protein change: p.Lys2382Glu; replaces lysine 2382 with glutamic acid.
Molecular consequence: missense variant.
Genome position (GRCh38, 1-based): chr2:151,650,657, T>C on the plus strand (A>G on the coding strand, the complement: NEB is on the minus strand). VCF-style: chr2-151650657-T-C. GRCh37 (hg19) VCF-style: chr2-152507171-T-C.
Other names: c.7144A>G, p.Lys2382Glu (NM_001164507.2, NM_001271208.2, NM_004543.5); short protein forms K2382E.
Identifiers: ClinVar variation 1948278 (VCV001948278.2), dbSNP rs764757576, ClinGen allele CA348789662.
Genomic context (GRCh38, chr2:151,650,657, plus strand): 5'-TCTTAGCTTGCACAACATCGTTCTGATCAGGCAGACATGTCCACTGATGCAGGTAGTTCT[T>C]GTAGTCCACGTCACTAACCAACTCCTGACACTTCTTGGCCAGTACCACTCCCAACATGTC-3'
Protein context (NP_001157980.2, residues 2372-2392): CQELVSDVDY[Lys2382Glu]NYLHQWTCLP